The following is an entry in ClinVar:

NM_012452.3(TNFRSF13B):c.663C>T (p.Ser221=)

Gene: TNFRSF13B (TNF receptor superfamily member 13B; minus strand). Cytogenetic location: 17p11.2.
Variant type: single nucleotide variant.
Coding change: c.663C>T on transcript NM_012452.3 (MANE Select); coding-DNA position 663, C replaced by T.
Protein change: p.Ser221=; no amino-acid change (serine 221 retained).
Molecular consequence: synonymous variant.
Genome position (GRCh38, 1-based): chr17:16,939,766, G>A on the plus strand (C>T on the coding strand, the complement: TNFRSF13B is on the minus strand). VCF-style: chr17-16939766-G-A. GRCh37 (hg19) VCF-style: chr17-16843080-G-A.
Identifiers: ClinVar variation 1096441 (VCV001096441.13), dbSNP rs533796529, ClinGen allele CA8413887.

ClinVar aggregate classification (germline): Likely benign. Review status: criteria provided, multiple submitters, no conflicts (2 of 4 stars). 2 submissions from 2 submitters: Likely benign (2). Last evaluated 2025-10-01.

Conditions:
Immunodeficiency, common variable, 2 (CVID2). Also called: ANTIBODY DEFICIENCY DUE TO TACI DEFECT; HYPOGAMMAGLOBULINEMIA DUE TO TACI DEFICIENCY. Identifiers: Orphanet 1572, MedGen C3150354, MONDO:0009413, OMIM 240500.

Allele frequency attached by ClinVar (database versions not stated): gnomAD exomes below 0.00001; ExAC 0.00001; gnomAD 0.00001; 1000 Genomes Project 0.00020; 1000 Genomes Project 30x 0.00047.
gnomAD v4.1: 4 of 1,611,360 alleles (0.00025%); highest among the groups gnomAD compares: Admixed American, 0.005%; no homozygotes.

Submissions (2):

CeGaT Center for Human Genetics Tuebingen
Classification: Likely benign. Last evaluated: 2025-10-01. Review status: criteria provided, single submitter. Criteria: CeGaT Center For Human Genetics Tuebingen Variant Classification Criteria Version 2. Collection method: clinical testing. Allele origin: germline. Affected: yes. Observed: 1 variant allele.
Comment: TNFRSF13B: BP4, BP7

Labcorp Genetics (formerly Invitae), Labcorp
Classification: Likely benign for Immunodeficiency, common variable, 2. Last evaluated: 2023-06-03. Review status: criteria provided, single submitter. Criteria: Invitae Variant Classification Sherloc (09022015). Collection method: clinical testing. Allele origin: germline.